The following is an entry in ClinVar:

NM_001005273.3(CHD3):c.1069A>C (p.Lys357Gln)

Genes: CHD3 (chromodomain helicase DNA binding protein 3; plus strand), LOC126862484 (CDK7 strongly-dependent group 2 enhancer GRCh37_chr17:7797066-7798265; plus strand). Cytogenetic location: 17p13.1.
Variant type: single nucleotide variant.
Coding change: c.1069A>C on transcript NM_001005273.3 (MANE Select); coding-DNA position 1069, A replaced by C.
Protein change: p.Lys357Gln; replaces lysine 357 with glutamine.
Molecular consequence: missense variant.
Genome position (GRCh38, 1-based): chr17:7,894,259, A>C. VCF-style: chr17-7894259-A-C. GRCh37 (hg19) VCF-style: chr17-7797577-A-C.
Other names: c.1246A>C, p.Lys416Gln (NM_001005271.3); c.1069A>C, p.Lys357Gln (NM_005852.4); short protein forms K357Q, K416Q.
Identifiers: ClinVar variation 1305027 (VCV001305027.2), dbSNP rs2151505753, ClinGen allele CA397938445.
Genomic context (GRCh38, chr17:7,894,259, plus strand): 5'-CGGCCTGATGGCCCTGTCCGCACCAAGAAACTAAAGAGAGGCCGGCCAGGAAGGAAGAAG[A>C]AGAAGGGTAAGGAGTGTTGACTGTGTGTGATCCTGTCAGTGGGCCGTCCTCTCATTCTTA-3'
Protein context (NP_001005273.1, residues 347-367): LKRGRPGRKK[Lys357Gln]KVLGCPAVAG

ClinVar aggregate classification (germline): Uncertain significance (1 of 4 stars; one submission).

Submission:

GeneDx
Classification: Uncertain significance. Last evaluated: 2021-05-17. Review status: criteria provided, single submitter. Criteria: GeneDx Variant Classification Process June 2021. Collection method: clinical testing. Allele origin: germline. Affected: yes.
Comment: Not observed in large population cohorts (Lek et al., 2016); In silico analysis, which includes protein predictors and evolutionary conservation, supports a deleterious effect; Has not been previously published as pathogenic or benign to our knowledge